The following is an entry in ClinVar:

ClinVar aggregate classification (germline): Uncertain significance (1 of 4 stars; one submission).

Allele frequency attached by ClinVar (database versions not stated): ExAC 0.00001.
gnomAD v4.1: 1 of 1,613,778 alleles (0.000062%); no homozygotes.

Submission:

GeneDx
Classification: Uncertain significance. Last evaluated: 2022-12-19. Review status: criteria provided, single submitter. Criteria: GeneDx Variant Classification Process June 2021. Collection method: clinical testing. Allele origin: germline. Affected: yes.
Comment: Not observed at significant frequency in large population cohorts (gnomAD); In silico analysis supports that this missense variant has a deleterious effect on protein structure/function; Has not been previously published as pathogenic or benign to our knowledge

NM_182931.3(KMT2E):c.828G>C (p.Lys276Asn)

Gene: KMT2E (lysine methyltransferase 2E (inactive); plus strand). Cytogenetic location: 7q22.3.
Variant type: single nucleotide variant.
Coding change: c.828G>C on transcript NM_182931.3 (MANE Select); coding-DNA position 828, G replaced by C.
Protein change: p.Lys276Asn; replaces lysine 276 with asparagine.
Molecular consequence: missense variant.
Genome position (GRCh38, 1-based): chr7:105,077,022, G>C. VCF-style: chr7-105077022-G-C. GRCh37 (hg19) VCF-style: chr7-104717469-G-C.
Other names: c.828G>C, p.Lys276Asn (NM_001410908.1, NM_018682.4); short protein forms K276N.
Identifiers: ClinVar variation 2505652 (VCV002505652.1), dbSNP rs769314927, ClinGen allele CA4423860.